The following is an entry in ClinVar:

NM_014786.4(ARHGEF17):c.4685G>C (p.Arg1562Pro)

Genes: ARHGEF17 (Rho guanine nucleotide exchange factor 17; plus strand), LOC121392928 (Sharpr-MPRA regulatory region 4120; plus strand). Cytogenetic location: 11q13.4.
Variant type: single nucleotide variant.
Coding change: c.4685G>C on transcript NM_014786.4 (MANE Select); coding-DNA position 4685, G replaced by C.
Protein change: p.Arg1562Pro; replaces arginine 1562 with proline.
Molecular consequence: missense variant.
Genome position (GRCh38, 1-based): chr11:73,362,230, G>C. VCF-style: chr11-73362230-G-C. GRCh37 (hg19) VCF-style: chr11-73073275-G-C.
Other names: short protein forms R1562P.
Identifiers: ClinVar variation 3772341 (VCV003772341.13).

ClinVar aggregate classification (germline): Uncertain significance (1 of 4 stars; one submission).

Submission:

CeGaT Center for Human Genetics Tuebingen
Classification: Uncertain significance. Last evaluated: 2025-01-01. Review status: criteria provided, single submitter. Criteria: CeGaT Center For Human Genetics Tuebingen Variant Classification Criteria Version 2. Collection method: clinical testing. Allele origin: germline. Affected: yes. Observed: 1 variant allele.
Comment: ARHGEF17: PM2, BP4